The following is an entry in ClinVar:

NM_006206.6(PDGFRA):c.81dup (p.Pro28fs)

Gene: PDGFRA (platelet derived growth factor receptor alpha; plus strand). Cytogenetic location: 4q12.
Variant type: Duplication.
Coding change: c.81dup on transcript NM_006206.6 (MANE Select); coding-DNA position 81, one base duplicated (A; older notation c.81dupA).
Protein change: p.Pro28fs; shifts the reading frame from proline 28.
Molecular consequence: frameshift variant.
Genome position (GRCh38, 1-based): chr4:54,261,126, A duplicated. VCF-style (leftmost placement, unchanged base first): chr4-54261125-T-TA. GRCh37 (hg19) VCF-style: chr4-55127292-T-TA.
Other names: c.81dup, p.Pro28fs (NM_001347827.2, NM_001347829.2); c.156dup, p.Pro53fs (NM_001347828.2); c.120dup, p.Pro41fs (NM_001347830.2); short protein forms P41fs, P28fs, P53fs.
Identifiers: ClinVar variation 856450 (VCV000856450.8), dbSNP rs1722678008, ClinGen allele CA916081445.

ClinVar aggregate classification (germline): Uncertain significance (1 of 4 stars; one submission).

Conditions:
Gastrointestinal stromal tumor. Also called: Gastrointestinal stromal tumor, somatic; Gastrointestinal stroma tumor. Identifiers: Orphanet 44890, MedGen C0238198, MeSH D046152, MONDO:0011719, OMIM 606764, HP:0100723.

Submission:

Labcorp Genetics (formerly Invitae), Labcorp
Classification: Uncertain significance for Gastrointestinal stromal tumor. Last evaluated: 2019-02-28. Review status: criteria provided, single submitter. Criteria: Invitae Variant Classification Sherloc (09022015). Collection method: clinical testing. Allele origin: germline.
Comment: In summary, the available evidence is currently insufficient to determine the role of this variant in disease. Therefore, it has been classified as a Variant of Uncertain Significance. The current clinical and genetic evidence is not sufficient to establish whether loss-of-function variants in PDGFRA cause disease. This variant has not been reported in the literature in individuals with PDGFRA-related conditions. This variant is not present in population databases (ExAC no frequency). This sequence change creates a premature translational stop signal (p.Pro28Thrfs*7) in the PDGFRA gene. It is expected to result in an absent or disrupted protein product.